The following is an entry in ClinVar:

NM_004055.5(CAPN5):c.734C>A (p.Ala245Glu)

Gene: CAPN5 (calpain 5; plus strand). Cytogenetic location: 11q13.5.
Variant type: single nucleotide variant.
Coding change: c.734C>A on transcript NM_004055.5 (MANE Select); coding-DNA position 734, C replaced by A.
Protein change: p.Ala245Glu; replaces alanine 245 with glutamic acid.
Molecular consequence: missense variant.
Genome position (GRCh38, 1-based): chr11:77,115,429, C>A. VCF-style: chr11-77115429-C-A. GRCh37 (hg19) VCF-style: chr11-76826475-C-A.
Other names: short protein forms A245E.
Identifiers: ClinVar variation 1524560 (VCV001524560.6), dbSNP rs1555041542, ClinGen allele CA381938714.

ClinVar aggregate classification (germline): Uncertain significance (1 of 4 stars; one submission).

gnomAD v4.1: 1 of 1,607,274 alleles (0.000062%); highest among the groups gnomAD compares: Non-Finnish European, 0.000085%; no homozygotes.

Submission:

Labcorp Genetics (formerly Invitae), Labcorp
Classification: Uncertain significance. Last evaluated: 2025-10-10. Review status: criteria provided, single submitter. Criteria: Invitae Variant Classification Sherloc (09022015). Collection method: clinical testing. Allele origin: germline.
Comment: This sequence change replaces alanine, which is neutral and non-polar, with glutamic acid, which is acidic and polar, at codon 245 of the CAPN5 protein (p.Ala245Glu). This variant is not present in population databases (gnomAD no frequency). This variant has not been reported in the literature in individuals affected with CAPN5-related conditions. ClinVar contains an entry for this variant (Variation ID: 1524560). Invitae Evidence Modeling of protein sequence and biophysical properties (such as structural, functional, and spatial information, amino acid conservation, physicochemical variation, residue mobility, and thermodynamic stability) indicates that this missense variant is not expected to disrupt CAPN5 protein function with a negative predictive value of 80%. In summary, the available evidence is currently insufficient to determine the role of this variant in disease. Therefore, it has been classified as a Variant of Uncertain Significance.